The following is an entry in ClinVar:

NM_000292.3(PHKA2):c.3289G>A (p.Gly1097Ser)

Gene: PHKA2 (phosphorylase kinase regulatory subunit alpha 2; minus strand). Cytogenetic location: Xp22.13.
Variant type: single nucleotide variant.
Coding change: c.3289G>A on transcript NM_000292.3 (MANE Select); coding-DNA position 3289, G replaced by A.
Protein change: p.Gly1097Ser; replaces glycine 1097 with serine.
Molecular consequence: missense variant.
Genome position (GRCh38, 1-based): chrX:18,895,185, C>T on the plus strand (G>A on the coding strand, the complement: PHKA2 is on the minus strand). VCF-style: chrX-18895185-C-T. GRCh37 (hg19) VCF-style: chrX-18913303-C-T.
Other names: short protein forms G1097S.
Identifiers: ClinVar variation 1039335 (VCV001039335.39), dbSNP rs145952475, ClinGen allele CA10361354.

ClinVar aggregate classification (germline): Conflicting classifications of pathogenicity. Review status: criteria provided, conflicting classifications (1 of 4 stars). 4 submissions from 4 submitters: Likely pathogenic (1); Uncertain significance (3). Last evaluated 2024-02-16.

Conditions:
Glycogen storage disease IXa1. Also called: LIVER GLYCOGENOSIS, X-LINKED, TYPE I; GLYCOGEN STORAGE DISEASE VIII; GSD VIII; Glycogen storage disease 8. Identifiers: Orphanet 264580, MedGen C3694531, MONDO:0010598, OMIM 306000.

Allele frequency attached by ClinVar (database versions not stated): ExAC 0.00005; gnomAD exomes 0.00007; TOPMed 0.00012; ESP Exome Variant Server 0.00019.
gnomAD v4.1: 70 of 1,208,744 alleles (0.0058%); highest among the groups gnomAD compares: Admixed American, 0.02%; no homozygotes.

Submissions (4):

Women's Health and Genetics/Laboratory Corporation of America, LabCorp
Classification: Uncertain significance. Last evaluated: 2024-02-16. Review status: criteria provided, single submitter. Criteria: LabCorp Variant Classification Summary - May 2015. Collection method: clinical testing. Allele origin: germline.
Comment: Variant summary: PHKA2 c.3289G>A (p.Gly1097Ser) results in a non-conservative amino acid change located in the Phosphorylase b kinase regulatory subunit alpha/beta, C-terminal domain (IPR011613) of the encoded protein sequence. Five of five in-silico tools predict a damaging effect of the variant on protein function. The variant allele was found at a frequency of 5.8e-05 in 1208744 control chromosomes, including 23 hemizygotes (gnomAD v4.0.0). This frequency does not allow for any conclusion about variant significance. c.3289G>A has been reported in the literature in individuals affected with Glycogen Storage Disease, Type IXa1 (Brown_2015). This report does not provide unequivocal conclusions about association of the variant with Glycogen Storage Disease, Type IXa1. To our knowledge, no experimental evidence demonstrating an impact on protein function has been reported. The following publication have been ascertained in the context of this evaluation (PMID: 25070466). ClinVar contains an entry for this variant (Variation ID: 1039335). Based on the evidence outlined above, the variant was classified as uncertain significance.

Mendelics
Classification: Uncertain significance. Last evaluated: 2022-05-04. Review status: criteria provided, single submitter. Criteria: Mendelics Assertion Criteria 2019. Collection method: clinical testing. Allele origin: germline.

Labcorp Genetics (formerly Invitae), Labcorp
Classification: Uncertain significance for Glycogen storage disease IXa1. Last evaluated: 2022-01-31. Review status: criteria provided, single submitter. Criteria: Invitae Variant Classification Sherloc (09022015). Collection method: clinical testing. Allele origin: germline.
Comment: This sequence change replaces glycine, which is neutral and non-polar, with serine, which is neutral and polar, at codon 1097 of the PHKA2 protein (p.Gly1097Ser). This variant is present in population databases (rs145952475, gnomAD 0.03%). This missense change has been observed in individuals with glycogen storage disease, type IXa (PMID: 25070466). ClinVar contains an entry for this variant (Variation ID: 1039335). Algorithms developed to predict the effect of missense changes on protein structure and function (SIFT, PolyPhen-2, Align-GVGD) all suggest that this variant is likely to be disruptive. In summary, the available evidence is currently insufficient to determine the role of this variant in disease. Therefore, it has been classified as a Variant of Uncertain Significance.

CeGaT Center for Human Genetics Tuebingen
Classification: Likely pathogenic. Last evaluated: 2021-09-01. Review status: criteria provided, single submitter. Criteria: CeGaT Center For Human Genetics Tuebingen Variant Classification Criteria Version 2. Collection method: clinical testing. Allele origin: germline. Affected: yes. Observed: 2 variant alleles.

Literature cited by the submitters: PubMed 25070466 (cited by Women's Health and Genetics/Laboratory Corporation of America, LabCorp and Labcorp Genetics (formerly Invitae), Labcorp).